The following is an entry in ClinVar:

NM_001447.3(FAT2):c.12163G>A (p.Ala4055Thr)

Genes: FAT2 (FAT atypical cadherin 2; minus strand), SLC36A1 (solute carrier family 36 member 1; plus strand). Cytogenetic location: 5q33.1.
Variant type: single nucleotide variant.
Coding change: c.12163G>A on transcript NM_001447.3 (MANE Select); coding-DNA position 12163, G replaced by A.
Protein change: p.Ala4055Thr; replaces alanine 4055 with threonine.
Molecular consequence: missense variant.
Genome position (GRCh38, 1-based): chr5:151,507,508, C>T on the plus strand (G>A on the coding strand, the complement: FAT2 is on the minus strand). VCF-style: chr5-151507508-C-T. GRCh37 (hg19) VCF-style: chr5-150887069-C-T.
Other names: short protein forms A4055T.
Identifiers: ClinVar variation 2361564 (VCV002361564.5), dbSNP rs201517523, ClinGen allele CA3519835.

ClinVar aggregate classification (germline): Uncertain significance. Review status: criteria provided, multiple submitters, no conflicts (2 of 4 stars). 2 submissions from 2 submitters: Uncertain significance (2). Last evaluated 2025-02-17.

Allele frequency attached by ClinVar (database versions not stated): TOPMed 0.00006; gnomAD 0.00012; gnomAD exomes 0.00007; ESP Exome Variant Server 0.00015; ExAC 0.00018.
gnomAD v4.1: 118 of 1,614,004 alleles (0.0073%); highest among the groups gnomAD compares: Non-Finnish European, 0.0088%; no homozygotes.

Submissions (2):

Labcorp Genetics (formerly Invitae), Labcorp
Classification: Uncertain significance. Last evaluated: 2025-02-17. Review status: criteria provided, single submitter. Criteria: Invitae Variant Classification Sherloc (09022015). Collection method: clinical testing. Allele origin: germline.
Comment: This sequence change replaces alanine, which is neutral and non-polar, with threonine, which is neutral and polar, at codon 4055 of the FAT2 protein (p.Ala4055Thr). This variant is present in population databases (rs201517523, gnomAD 0.03%). This variant has not been reported in the literature in individuals affected with FAT2-related conditions. ClinVar contains an entry for this variant (Variation ID: 2361564). An algorithm developed to predict the effect of missense changes on protein structure and function outputs the following: PolyPhen-2: "Benign". The threonine amino acid residue is found in multiple mammalian species, which suggests that this missense change does not adversely affect protein function. In summary, the available evidence is currently insufficient to determine the role of this variant in disease. Therefore, it has been classified as a Variant of Uncertain Significance.

Ambry Genetics
Classification: Uncertain significance. Last evaluated: 2021-10-22. Review status: criteria provided, single submitter. Criteria: Ambry Variant Classification Scheme 2023. Collection method: clinical testing. Allele origin: germline.